The following is an entry in ClinVar:

NM_002335.4(LRP5):c.3187C>T (p.Arg1063Cys)

Gene: LRP5 (LDL receptor related protein 5; plus strand). Cytogenetic location: 11q13.2.
Variant type: single nucleotide variant.
Coding change: c.3187C>T on transcript NM_002335.4 (MANE Select); coding-DNA position 3187, C replaced by T.
Protein change: p.Arg1063Cys; replaces arginine 1063 with cysteine.
Molecular consequence: missense variant.
Genome position (GRCh38, 1-based): chr11:68,423,648, C>T. VCF-style: chr11-68423648-C-T. GRCh37 (hg19) VCF-style: chr11-68191116-C-T.
Other names: c.1444C>T, p.Arg482Cys (NM_001291902.2); short protein forms R1063C, R482C.
Identifiers: ClinVar variation 1393344 (VCV001393344.7), dbSNP rs753926639, ClinGen allele CA6149868.

ClinVar aggregate classification (germline): Uncertain significance. Review status: criteria provided, multiple submitters, no conflicts (2 of 4 stars). 2 submissions from 2 submitters: Uncertain significance (2). Last evaluated 2022-10-08.

Conditions:
Exudative vitreoretinopathy 4 (EVR4). Identifiers: Orphanet 891, MedGen C1866176, MONDO:0011151, OMIM 601813.
Bone mineral density quantitative trait locus 1 (BMND1). Identifiers: MedGen C1866079, OMIM 601884.
Worth disease. Also called: ENDOSTEAL HYPEROSTOSIS, AUTOSOMAL DOMINANT; OSTEOSCLEROSIS, AUTOSOMAL DOMINANT; Autosomal dominant osteosclerosis, Worth type. Identifiers: Orphanet 2790, MedGen C0432273, MONDO:0007764, OMIM 144750.
Exudative vitreoretinopathy 1 (EVR1). Also called: CRISWICK-SCHEPENS SYNDROME; FEVR, AUTOSOMAL DOMINANT; Familial exudative vitreoretinopathy, autosomal dominant. Identifiers: Orphanet 891, Orphanet 90050, MedGen C1851402, MONDO:0007589, OMIM 133780.
Osteoporosis with pseudoglioma (OPPG). Also called: osteoporosis-pseudoglioma syndrome. Identifiers: Orphanet 2788, MedGen C0432252, MONDO:0009820, OMIM 259770.
Polycystic liver disease 4 with or without kidney cysts. Identifiers: MedGen C4693479, MONDO:0044327, OMIM 617875.
Osteoporosis. Identifiers: MedGen C0029456, MONDO:0005298, OMIM 166710, HP:0000939.
Autosomal dominant osteopetrosis 1 (OPTA1). Also called: OSTEOPETROSIS, AUTOSOMAL DOMINANT, TYPE I. Identifiers: Orphanet 2783, MedGen C1843330, MONDO:0011877, OMIM 607634.

Allele frequency attached by ClinVar (database versions not stated): gnomAD exomes below 0.00001 and 0.00001; ExAC 0.00001; TOPMed 0.00001.
gnomAD v4.1: 15 of 1,613,828 alleles (0.00093%); highest among the groups gnomAD compares: Admixed American, 0.0033%; no homozygotes.

Submissions (2):

Labcorp Genetics (formerly Invitae), Labcorp
Classification: Uncertain significance. Last evaluated: 2022-10-08. Review status: criteria provided, single submitter. Criteria: Invitae Variant Classification Sherloc (09022015). Collection method: clinical testing. Allele origin: germline.
Comment: ClinVar contains an entry for this variant (Variation ID: 1393344). This variant has not been reported in the literature in individuals affected with LRP5-related conditions. This variant is present in population databases (rs753926639, gnomAD 0.003%). This sequence change replaces arginine, which is basic and polar, with cysteine, which is neutral and slightly polar, at codon 1063 of the LRP5 protein (p.Arg1063Cys). In summary, the available evidence is currently insufficient to determine the role of this variant in disease. Therefore, it has been classified as a Variant of Uncertain Significance. Advanced modeling of protein sequence and biophysical properties (such as structural, functional, and spatial information, amino acid conservation, physicochemical variation, residue mobility, and thermodynamic stability) performed at Invitae indicates that this missense variant is not expected to disrupt LRP5 protein function.

Fulgent Genetics
Classification: Uncertain significance for Exudative vitreoretinopathy 1; Worth disease; Osteoporosis; Osteoporosis with pseudoglioma; Exudative vitreoretinopathy 4; Bone mineral density quantitative trait locus 1; Autosomal dominant osteopetrosis 1; Polycystic liver disease 4 with or without kidney cysts. Last evaluated: 2021-07-19. Review status: criteria provided, single submitter. Criteria: ACMG Guidelines, 2015. Collection method: clinical testing. Allele origin: unknown.